The following is an entry in ClinVar:

ClinVar aggregate classification (germline): Uncertain significance. Review status: criteria provided, multiple submitters, no conflicts (2 of 4 stars). 2 submissions from 2 submitters: Uncertain significance (2). Last evaluated 2025-02-06.

Conditions:
Nephrotic syndrome, type 20. Identifiers: MedGen C5193011, MONDO:0026726, OMIM 301028.

Submissions (2):

Molecular Genetics, Royal Melbourne Hospital
Classification: Uncertain significance for Nephrotic syndrome, type 20. Last evaluated: 2025-02-06. Review status: criteria provided, single submitter. Criteria: ACMG Guidelines, 2015. Collection method: clinical testing. Allele origin: germline. Inheritance: X-linked inheritance.
Comment: Based on the classification scheme RMH Modified ACMG/AMP Guidelines v1.7.1, this variant is classified as VOUS. Following criteria are met: PM4_Supporting

Labcorp Genetics (formerly Invitae), Labcorp
Classification: Uncertain significance. Last evaluated: 2024-11-13. Review status: criteria provided, single submitter. Criteria: Invitae Variant Classification Sherloc (09022015). Collection method: clinical testing. Allele origin: germline.
Comment: This variant, c.104_106dup, results in the insertion of 1 amino acid(s) of the TBC1D8B protein (p.Gly35dup), but otherwise preserves the integrity of the reading frame. This variant is present in population databases (rs749849931, gnomAD 0.03%), and has an allele count higher than expected for a pathogenic variant. This variant has not been reported in the literature in individuals affected with TBC1D8B-related conditions. ClinVar contains an entry for this variant (Variation ID: 2072366). Experimental studies and prediction algorithms are not available or were not evaluated, and the functional significance of this variant is currently unknown. Algorithms developed to predict the effect of sequence changes on RNA splicing suggest that this variant may disrupt the consensus splice site. In summary, the available evidence is currently insufficient to determine the role of this variant in disease. Therefore, it has been classified as a Variant of Uncertain Significance.

NM_017752.3(TBC1D8B):c.104_106dup (p.Gly35_Glu36insGly)

Gene: TBC1D8B (TBC1 domain family member 8B; plus strand). Cytogenetic location: Xq22.3.
Variant type: Duplication.
Coding change: c.104_106dup on transcript NM_017752.3 (MANE Select); coding-DNA positions 104 to 106, 3 bases duplicated (GGG; older notation c.104_106dupGGG).
Protein change: p.Gly35_Glu36insGly.
Molecular consequence: inframe insertion.
Genome position (GRCh38, 1-based): chrX:106,802,957-106,802,959, GGG duplicated; duplicating any 3 consecutive bases within chrX:106,802,956-106,802,959 gives the same sequence; the c. name uses the placement nearest the transcript's 3' end. VCF-style (leftmost placement, unchanged base first): chrX-106802955-C-CGGG. GRCh37 (hg19) VCF-style: chrX-106046185-C-CGGG.
Other names: c.104_106dup, p.Gly35_Glu36insGly (NM_198881.2); c.104_106dupGGG (NM_017752.3).
Identifiers: ClinVar variation 2072366 (VCV002072366.5), dbSNP rs749849931, ClinGen allele CA10482875.
Genomic context (GRCh38, chrX:106,802,955, plus strand): 5'-GAAGCTGTGGCTGATGGAAAGGTCCAACGACTACTTCGTGCTGCAGCGGCGTCGGGGCTA[C>CGGG]GGGGAGGAAGGCGGAGGGGGGCTCACAGGTAAGCTGTGGCCACCCTACCTGCCTCTGGGC-3'